The following is an entry in ClinVar:

ClinVar aggregate classification (germline): no classifications from unflagged records (0 of 4 stars; one submission).

Conditions:
Polycystic liver disease 3 with or without kidney cysts. Identifiers: MedGen C4693472, MONDO:0054743, OMIM 617874.

Submission:

Dr. med. U. Finckh, Human Genetics, Eurofins MVZ
Classification: Likely pathogenic for Polycystic liver disease 3 with or without kidney cysts. Last evaluated: 2022-04-12. Review status: flagged submission. Criteria: ACMG Guidelines, 2015. Collection method: clinical testing. Allele origin: unknown. Observed: 1 heterozygote.
ClinVar note: Notes: Flagging candidate with reason of insufficient supporting evidence. This gene has been classified as having a limited gene-disease relationship by a ClinGen Expert Panel.
ClinVar note: Reason: Other

NM_024079.5(ALG8):c.828_829del (p.Cys277fs)

Gene: ALG8 (ALG8 alpha-1,3-glucosyltransferase; minus strand). Cytogenetic location: 11q14.1.
Variant type: Microsatellite.
Coding change: c.828_829del on transcript NM_024079.5 (MANE Select); coding-DNA positions 828 to 829, 2 bases deleted (CT; older notation c.828_829delCT).
Protein change: p.Cys277fs; shifts the reading frame from cysteine 277.
Molecular consequence: frameshift variant.
Genome position (GRCh38, 1-based): chr11:78,112,719-78,112,720, AG deleted on the plus strand (CT on the coding strand, the reverse complement: ALG8 is on the minus strand); deleting any 2 consecutive bases within chr11:78,112,719-78,112,722 gives the same sequence; the c. name uses the placement nearest the transcript's 3' end. VCF-style (leftmost placement, unchanged base first): chr11-78112718-CAG-C. GRCh37 (hg19) VCF-style: chr11-77823764-CAG-C.
Other names: c.828_829del, p.Cys277fs (NM_001007027.3); short protein forms C277fs.
Identifiers: ClinVar variation 2580951 (VCV002580951.1), dbSNP rs2497001971, ClinGen allele CA2580618135.